The following is an entry in ClinVar:

ClinVar aggregate classification (germline): Uncertain significance. Review status: criteria provided, multiple submitters, no conflicts (2 of 4 stars). 3 submissions from 3 submitters: Uncertain significance (2). 1 of the submissions does not count toward it. Last evaluated 2022-04-07.

Conditions:
Inborn genetic diseases. Identifiers: MedGen C0950123, MeSH D030342.

Allele frequency attached by ClinVar (database versions not stated): gnomAD exomes below 0.00001 and 0.00001; ExAC 0.00001; gnomAD 0.00001; TOPMed 0.00001.
gnomAD v4.1: 11 of 1,613,658 alleles (0.00068%); highest among the groups gnomAD compares: Middle Eastern, 0.016%; no homozygotes.

Submissions (3):

Labcorp Genetics (formerly Invitae), Labcorp
Classification: Uncertain significance. Last evaluated: 2022-04-07. Review status: criteria provided, single submitter. Criteria: Invitae Variant Classification Sherloc (09022015). Collection method: clinical testing. Allele origin: germline.
Comment: In summary, the available evidence is currently insufficient to determine the role of this variant in disease. Therefore, it has been classified as a Variant of Uncertain Significance. Algorithms developed to predict the effect of missense changes on protein structure and function (SIFT, PolyPhen-2, Align-GVGD) all suggest that this variant is likely to be disruptive. ClinVar contains an entry for this variant (Variation ID: 983558). This missense change has been observed in individual(s) with SCAMP5-related conditions (PMID: 32020363). The frequency data for this variant in the population databases is considered unreliable, as metrics indicate poor data quality at this position in the gnomAD database. This sequence change replaces arginine, which is basic and polar, with tryptophan, which is neutral and slightly polar, at codon 91 of the SCAMP5 protein (p.Arg91Trp).

Ambry Genetics
Classification: Uncertain significance for Inborn genetic diseases. Last evaluated: 2021-12-06. Review status: criteria provided, single submitter. Criteria: Ambry Variant Classification Scheme 2023. Collection method: clinical testing. Allele origin: germline.
Comment: The c.271C>T (p.R91W) alteration is located in exon 5 (coding exon 3) of the SCAMP5 gene. This alteration results from a C to T substitution at nucleotide position 271, causing the arginine (R) at amino acid position 91 to be replaced by a tryptophan (W). Based on data from gnomAD, the T allele has an overall frequency of <0.01% (1/248922) total alleles studied. This alteration was reported homozygous in two siblings with early-onset epilepsy and adolescent-onset Parkinson's disease (Zhang, 2020). This amino acid position is highly conserved in available vertebrate species. Knock-in mice with the the homozygous Scamp5 p.R91W alteration showed early-onset audiogenic epilepsy and idiopathic epilepsy (Zhang, 2020). This alteration is predicted to be tolerated by in silico analysis. Based on insufficient or conflicting evidence, the clinical significance of this alteration remains unclear.

OMIM
Classification: Uncertain significance for VARIANT OF UNKNOWN SIGNIFICANCE. Last evaluated: 2020-11-10. Review status: no assertion criteria provided. Collection method: literature only. Allele origin: germline. Not counted in ClinVar's aggregate classification.

Literature cited by the submitters: PubMed 32020363 (cited by 3 submitters).

NM_138967.4(SCAMP5):c.271C>T (p.Arg91Trp)

Gene: SCAMP5 (secretory carrier membrane protein 5; plus strand). Cytogenetic location: 15q24.2.
Variant type: single nucleotide variant.
Coding change: c.271C>T on transcript NM_138967.4 (MANE Select); coding-DNA position 271, C replaced by T.
Protein change: p.Arg91Trp; replaces arginine 91 with tryptophan.
Molecular consequence: missense variant.
Genome position (GRCh38, 1-based): chr15:75,016,727, C>T. VCF-style: chr15-75016727-C-T. GRCh37 (hg19) VCF-style: chr15-75309068-C-T.
Other names: SCAMP5, ARG91TRP (rs747966691); c.271C>T (NM_001178111.1); c.271C>T, p.Arg91Trp (NM_001178111.2, NM_001178112.2); short protein forms R91W.
Identifiers: ClinVar variation 983558 (VCV000983558.7), dbSNP rs747966691, ClinGen allele CA7663222.